The following is an entry in ClinVar:

ClinVar aggregate classification (germline): Likely benign. Review status: criteria provided, single submitter (1 of 4 stars). 2 submissions from 2 submitters: Likely benign (1). 1 of the submissions does not count toward it. Last evaluated 2024-11-26.

Conditions:
ABCA5-related disorder. Also called: ABCA5-related condition.

Allele frequency attached by ClinVar (database versions not stated): 1000 Genomes Project 0.02037; 1000 Genomes Project 30x 0.02171; TOPMed 0.03851; gnomAD 0.04161; ESP Exome Variant Server 0.04562; ExAC 0.04834; gnomAD exomes 0.05661.
gnomAD v4.1: 84,373 of 1,537,242 alleles (5.5%); highest among the groups gnomAD compares: Non-Finnish European, 6.5%; 2,724 homozygotes.

Submissions (2):

Blueprint Genetics
Classification: Likely benign. Last evaluated: 2024-11-26. Review status: criteria provided, single submitter. Criteria: ACMG Guidelines, 2015. Collection method: clinical testing. Allele origin: germline.

PreventionGenetics, part of Exact Sciences
Classification: Benign for ABCA5-related condition. Last evaluated: 2019-07-16. Review status: no assertion criteria provided. Collection method: clinical testing. Allele origin: germline. Not counted in ClinVar's aggregate classification.
Comment: This variant is classified as benign based on ACMG/AMP sequence variant interpretation guidelines (Richards et al. 2015 PMID: 25741868, with internal and published modifications).

NM_172232.4(ABCA5):c.3859-4T>C

Gene: ABCA5 (ATP binding cassette subfamily A member 5; minus strand). Cytogenetic location: 17q24.3.
Variant type: single nucleotide variant.
Coding change: c.3859-4T>C on transcript NM_172232.4 (MANE Select); 4 bases into the intron before coding-DNA position 3859, T replaced by C.
Molecular consequence: intron variant.
Genome position (GRCh38, 1-based): chr17:69,255,854, A>G on the plus strand (T>C on the coding strand, the complement: ABCA5 is on the minus strand). VCF-style: chr17-69255854-A-G. GRCh37 (hg19) VCF-style: chr17-67251995-A-G.
Other names: c.3859-4T>C (NM_018672.5).
Identifiers: ClinVar variation 3060710 (VCV003060710.3), dbSNP rs78837144, ClinGen allele CA8736886.
Genomic context (GRCh38, chr17:69,255,854, plus strand): 5'-AAAATCTTTCTTGTCATCATATTCTTTATGCAAATTGCTGACCATAATGGATGGTTTCTA[A>G]TAAGAAAAATTGTATTTAAAAAGAAAGTTATAAAACTTATCATGAAATGACAGGCTGCAC-3'